The following is an entry in ClinVar:

ClinVar aggregate classification (germline): Uncertain significance (1 of 4 stars; one submission).

gnomAD v4.1: 1 of 1,613,832 alleles (0.000062%); no homozygotes.

Submission:

Labcorp Genetics (formerly Invitae), Labcorp
Classification: Uncertain significance. Last evaluated: 2022-07-26. Review status: criteria provided, single submitter. Criteria: Invitae Variant Classification Sherloc (09022015). Collection method: clinical testing. Allele origin: germline.
Comment: This sequence change replaces aspartic acid, which is acidic and polar, with tyrosine, which is neutral and polar, at codon 19 of the ARHGEF10 protein (p.Asp19Tyr). In summary, the available evidence is currently insufficient to determine the role of this variant in disease. Therefore, it has been classified as a Variant of Uncertain Significance. Algorithms developed to predict the effect of missense changes on protein structure and function are either unavailable or do not agree on the potential impact of this missense change (SIFT: "Tolerated"; PolyPhen-2: "Possibly Damaging"; Align-GVGD: "Class C0"). ClinVar contains an entry for this variant (Variation ID: 1483093). This variant has not been reported in the literature in individuals affected with ARHGEF10-related conditions. This variant is not present in population databases (gnomAD no frequency).

NM_014629.4(ARHGEF10):c.55G>T (p.Asp19Tyr)

Gene: ARHGEF10 (Rho guanine nucleotide exchange factor 10; plus strand). Cytogenetic location: 8p23.3.
Variant type: single nucleotide variant.
Coding change: c.55G>T on transcript NM_014629.4 (MANE Select); coding-DNA position 55, G replaced by T.
Protein change: p.Asp19Tyr; replaces aspartic acid 19 with tyrosine.
Molecular consequence: missense variant.
Genome position (GRCh38, 1-based): chr8:1,857,977, G>T. VCF-style: chr8-1857977-G-T. GRCh37 (hg19) VCF-style: chr8-1806143-G-T.
Other names: c.55G>T, p.Asp19Tyr (NM_001308152.2, NM_001308153.3); short protein forms D19Y, D43Y.
Identifiers: ClinVar variation 1483093 (VCV001483093.6), dbSNP rs917315009, ClinGen allele CA170588668.